The following is an entry in ClinVar:

NM_001366385.1(CARD14):c.2919C>G (p.Asp973Glu)

Genes: CARD14 (caspase recruitment domain family member 14; plus strand), SGSH (N-sulfoglucosamine sulfohydrolase; minus strand). Cytogenetic location: 17q25.3.
Variant type: single nucleotide variant.
Coding change: c.2919C>G on transcript NM_001366385.1 (MANE Select); coding-DNA position 2919, C replaced by G.
Protein change: p.Asp973Glu; replaces aspartic acid 973 with glutamic acid.
Molecular consequence: missense variant. On other transcripts: non-coding transcript variant (1).
Genome position (GRCh38, 1-based): chr17:80,208,249, C>G. VCF-style: chr17-80208249-C-G. GRCh37 (hg19) VCF-style: chr17-78182048-C-G.
Other names: c.2919C>G, p.Asp973Glu (NM_024110.4); short protein forms D973E.
Identifiers: ClinVar variation 68780 (VCV000068780.43), dbSNP rs144285237, ClinGen allele CA219910.

ClinVar aggregate classification (germline): Benign/Likely benign. Review status: criteria provided, multiple submitters, no conflicts (2 of 4 stars). 10 submissions from 10 submitters: Benign (1); Likely benign (4). 5 of the submissions do not count toward it. Last evaluated 2026-04-15.

Conditions:
Autoinflammatory syndrome. Identifiers: Orphanet 93665, MedGen C3890737, MONDO:0019751.
CARD14-related disorder. Also called: CARD14-related condition.
Pityriasis rubra pilaris (PRP). Also called: Pityriasis rubra pilaris--familial type. Identifiers: Orphanet 2897, MedGen C0032027, MONDO:0100017, OMIM 173200, MONDO:0008251.
Psoriasis 2. Identifiers: MedGen C1864497, MONDO:0011269, OMIM 602723.

Allele frequency attached by ClinVar (database versions not stated): 1000 Genomes Project 0.00020; 1000 Genomes Project 30x 0.00031; ESP Exome Variant Server 0.00139; TOPMed 0.00140.
gnomAD v4.1: 2,654 of 1,581,668 alleles (0.17%); highest among the groups gnomAD compares: Admixed American, 0.26%; 6 homozygotes.

Submissions (10):

Women's Health and Genetics/Laboratory Corporation of America, LabCorp
Classification: Likely benign. Last evaluated: 2026-04-15. Review status: criteria provided, single submitter. Criteria: LabCorp Variant Classification Summary - May 2015. Collection method: clinical testing. Allele origin: germline.

Labcorp Genetics (formerly Invitae), Labcorp
Classification: Benign for Pityriasis rubra pilaris; Psoriasis 2. Last evaluated: 2026-02-02. Review status: criteria provided, single submitter. Criteria: Invitae Variant Classification Sherloc (09022015). Collection method: clinical testing. Allele origin: germline.

Blueprint Genetics
Classification: Likely benign. Last evaluated: 2024-11-24. Review status: criteria provided, single submitter. Criteria: ACMG Guidelines, 2015. Collection method: clinical testing. Allele origin: germline.

CeGaT Center for Human Genetics Tuebingen
Classification: Likely benign. Last evaluated: 2024-09-01. Review status: criteria provided, single submitter. Criteria: CeGaT Center For Human Genetics Tuebingen Variant Classification Criteria Version 2. Collection method: clinical testing. Allele origin: germline. Affected: yes. Observed: 3 variant alleles.
Comment: CARD14: BS2

Genome Diagnostics Laboratory, The Hospital for Sick Children
Classification: Likely benign for Autoinflammatory syndrome. Last evaluated: 2021-03-03. Review status: criteria provided, single submitter. Criteria: ACMG Guidelines, 2015. Collection method: clinical testing. Allele origin: germline. Affected: yes.

PreventionGenetics, part of Exact Sciences
Classification: Benign for CARD14-related condition. Last evaluated: 2020-04-16. Review status: no assertion criteria provided. Collection method: clinical testing. Allele origin: germline. Not counted in ClinVar's aggregate classification.
Comment: This variant is classified as benign based on ACMG/AMP sequence variant interpretation guidelines (Richards et al. 2015 PMID: 25741868, with internal and published modifications).

Clinical Genetics DNA and cytogenetics Diagnostics Lab, Erasmus MC, Erasmus Medical Center
Classification: Likely benign. Review status: no assertion criteria provided. Collection method: clinical testing. Allele origin: germline. Affected: yes. Study: VKGL Data-share Consensus. Not counted in ClinVar's aggregate classification.

Genome Diagnostics Laboratory, University Medical Center Utrecht
Classification: Likely benign. Review status: no assertion criteria provided. Collection method: clinical testing. Allele origin: germline. Affected: yes. Study: VKGL Data-share Consensus. Not counted in ClinVar's aggregate classification.

Laboratory of Diagnostic Genome Analysis, Leiden University Medical Center (LUMC)
Classification: Likely benign. Review status: no assertion criteria provided. Collection method: clinical testing. Allele origin: germline. Affected: yes. Study: VKGL Data-share Consensus. Not counted in ClinVar's aggregate classification.

UniProtKB/Swiss-Prot
No classification provided. Review status: no classification provided. Collection method: not provided. Allele origin: not provided. Not counted in ClinVar's aggregate classification.